The following is an entry in ClinVar:

NM_014332.3(SMPX):c.77G>C (p.Arg26Pro)

Gene: SMPX (small muscle protein X-linked; minus strand). Cytogenetic location: Xp22.12.
Variant type: single nucleotide variant.
Coding change: c.77G>C on transcript NM_014332.3 (MANE Select); coding-DNA position 77, G replaced by C.
Protein change: p.Arg26Pro; replaces arginine 26 with proline.
Molecular consequence: missense variant. On other transcripts: non-coding transcript variant (1).
Genome position (GRCh38, 1-based): chrX:21,743,805, C>G on the plus strand (G>C on the coding strand, the complement: SMPX is on the minus strand). VCF-style: chrX-21743805-C-G. GRCh37 (hg19) VCF-style: chrX-21761923-C-G.
Other names: short protein forms R26P.
Identifiers: ClinVar variation 2429550 (VCV002429550.1), dbSNP rs376846054, ClinGen allele CA412562747.

ClinVar aggregate classification (germline): Uncertain significance (1 of 4 stars; one submission).

Submission:

GeneDx
Classification: Uncertain significance. Last evaluated: 2022-08-12. Review status: criteria provided, single submitter. Criteria: GeneDx Variant Classification Process June 2021. Collection method: clinical testing. Allele origin: germline. Affected: yes.
Comment: Not observed at significant frequency in large population cohorts (gnomAD); In silico analysis supports that this missense variant has a deleterious effect on protein structure/function; Has not been previously published as pathogenic or benign to our knowledge